The following is an entry in ClinVar:

ClinVar aggregate classification (germline): Uncertain significance (1 of 4 stars; one submission).

Allele frequency attached by ClinVar (database versions not stated): TOPMed below 0.00001.

Submission:

Labcorp Genetics (formerly Invitae), Labcorp
Classification: Uncertain significance. Last evaluated: 2023-08-10. Review status: criteria provided, single submitter. Criteria: Invitae Variant Classification Sherloc (09022015). Collection method: clinical testing. Allele origin: germline.
Comment: In summary, the available evidence is currently insufficient to determine the role of this variant in disease. Therefore, it has been classified as a Variant of Uncertain Significance. Advanced modeling of protein sequence and biophysical properties (such as structural, functional, and spatial information, amino acid conservation, physicochemical variation, residue mobility, and thermodynamic stability) performed at Invitae indicates that this missense variant is not expected to disrupt MCM4 protein function. ClinVar contains an entry for this variant (Variation ID: 1402428). This variant has not been reported in the literature in individuals affected with MCM4-related conditions. This variant is not present in population databases (gnomAD no frequency). This sequence change replaces methionine, which is neutral and non-polar, with valine, which is neutral and non-polar, at codon 699 of the MCM4 protein (p.Met699Val).

NM_182746.3(MCM4):c.2095A>G (p.Met699Val)

Gene: MCM4 (minichromosome maintenance complex component 4; plus strand). Cytogenetic location: 8q11.21.
Variant type: single nucleotide variant.
Coding change: c.2095A>G on transcript NM_182746.3 (MANE Select); coding-DNA position 2095, A replaced by G.
Protein change: p.Met699Val; replaces methionine 699 with valine.
Molecular consequence: missense variant.
Genome position (GRCh38, 1-based): chr8:47,973,023, A>G. VCF-style: chr8-47973023-A-G. GRCh37 (hg19) VCF-style: chr8-48885583-A-G.
Other names: c.2095A>G, p.Met699Val (NM_005914.4); short protein forms M699V.
Identifiers: ClinVar variation 1402428 (VCV001402428.7), dbSNP rs2090969711, ClinGen allele CA371154912.